The following is an entry in ClinVar:

NM_006922.4(SCN3A):c.2977G>T (p.Ala993Ser)

Gene: SCN3A (sodium voltage-gated channel alpha subunit 3; minus strand). Cytogenetic location: 2q24.3.
Variant type: single nucleotide variant.
Coding change: c.2977G>T on transcript NM_006922.4 (MANE Select); coding-DNA position 2977, G replaced by T.
Protein change: p.Ala993Ser; replaces alanine 993 with serine.
Molecular consequence: missense variant.
Genome position (GRCh38, 1-based): chr2:165,128,047, C>A on the plus strand (G>T on the coding strand, the complement: SCN3A is on the minus strand). VCF-style: chr2-165128047-C-A. GRCh37 (hg19) VCF-style: chr2-165984557-C-A.
Other names: c.2830G>T, p.Ala944Ser (NM_001081676.2, NM_001081677.2); short protein forms A944S, A993S.
Identifiers: ClinVar variation 1053664 (VCV001053664.13), dbSNP rs2105764064, ClinGen allele CA349041664.

ClinVar aggregate classification (germline): Uncertain significance. Review status: criteria provided, multiple submitters, no conflicts (2 of 4 stars). 2 submissions from 2 submitters: Uncertain significance (2). Last evaluated 2024-12-17.

Submissions (2):

Labcorp Genetics (formerly Invitae), Labcorp
Classification: Uncertain significance. Last evaluated: 2024-12-17. Review status: criteria provided, single submitter. Criteria: Invitae Variant Classification Sherloc (09022015). Collection method: clinical testing. Allele origin: germline.
Comment: This sequence change replaces alanine, which is neutral and non-polar, with serine, which is neutral and polar, at codon 993 of the SCN3A protein (p.Ala993Ser). This variant is not present in population databases (gnomAD no frequency). This variant has not been reported in the literature in individuals affected with SCN3A-related conditions. ClinVar contains an entry for this variant (Variation ID: 1053664). Invitae Evidence Modeling of protein sequence and biophysical properties (such as structural, functional, and spatial information, amino acid conservation, physicochemical variation, residue mobility, and thermodynamic stability) indicates that this missense variant is not expected to disrupt SCN3A protein function with a negative predictive value of 95%. In summary, the available evidence is currently insufficient to determine the role of this variant in disease. Therefore, it has been classified as a Variant of Uncertain Significance.

Revvity Omics, Revvity
Classification: Uncertain significance. Last evaluated: 2022-03-08. Review status: criteria provided, single submitter. Criteria: ACMG Guidelines, 2015. Collection method: clinical testing. Allele origin: germline.